The following is an entry in ClinVar:

ClinVar aggregate classification (germline): Pathogenic (1 of 4 stars; one submission).

Conditions:
Spastic paraplegia. Identifiers: MedGen C0037772, HP:0001258.

gnomAD v4.1: 6 of 1,614,092 alleles (0.00037%); highest among the groups gnomAD compares: Admixed American, 0.0017%; no homozygotes.

Submission:

Labcorp Genetics (formerly Invitae), Labcorp
Classification: Pathogenic for Spastic paraplegia. Last evaluated: 2022-10-21. Review status: criteria provided, single submitter. Criteria: Invitae Variant Classification Sherloc (09022015). Collection method: clinical testing. Allele origin: germline.
Comment: ClinVar contains an entry for this variant (Variation ID: 653998). This variant has not been reported in the literature in individuals affected with B4GALNT1-related conditions. This variant is present in population databases (no rsID available, gnomAD 0.003%). This sequence change creates a premature translational stop signal (p.Arg98*) in the B4GALNT1 gene. It is expected to result in an absent or disrupted protein product. Loss-of-function variants in B4GALNT1 are known to be pathogenic (PMID: 23746551). For these reasons, this variant has been classified as Pathogenic.

Literature cited by the submitters: PubMed 23746551.

NM_001478.5(B4GALNT1):c.292C>T (p.Arg98Ter)

Gene: B4GALNT1 (beta-1,4-N-acetyl-galactosaminyltransferase 1; minus strand). Cytogenetic location: 12q13.3.
Variant type: single nucleotide variant.
Coding change: c.292C>T on transcript NM_001478.5 (MANE Select); coding-DNA position 292, C replaced by T.
Protein change: p.Arg98Ter; replaces arginine 98 with a stop codon.
Molecular consequence: nonsense. On other transcripts: intron variant (1).
Genome position (GRCh38, 1-based): chr12:57,631,291, G>A on the plus strand (C>T on the coding strand, the complement: B4GALNT1 is on the minus strand). VCF-style: chr12-57631291-G-A. GRCh37 (hg19) VCF-style: chr12-58025074-G-A.
Other names: c.292C>T, p.Arg98Ter (NM_001276469.2); c.219-205C>T (NM_001276468.2); short protein forms R98*.
Identifiers: ClinVar variation 653998 (VCV000653998.6), dbSNP rs1361370524, ClinGen allele CA385501896.